The following is an entry in ClinVar:

ClinVar aggregate classification (germline): Uncertain significance (1 of 4 stars; one submission).

Conditions:
Inborn genetic diseases. Identifiers: MedGen C0950123, MeSH D030342.

Submission:

Ambry Genetics
Classification: Uncertain significance for Inborn genetic diseases. Last evaluated: 2024-05-17. Review status: criteria provided, single submitter. Criteria: Ambry Variant Classification Scheme 2023. Collection method: clinical testing. Allele origin: germline.
Comment: The c.2154G>C (p.K718N) alteration is located in exon 19 (coding exon 18) of the EZH2 gene. This alteration results from a G to C substitution at nucleotide position 2154, causing the lysine (K) at amino acid position 718 to be replaced by an asparagine (N). This variant was not reported in population-based cohorts in the Genome Aggregation Database (gnomAD). This amino acid position is highly conserved in available vertebrate species. This missense alteration is located in a region that has a low rate of benign missense variation (Lek, 2016; Firth, 2009). The in silico prediction for this alteration is inconclusive. Based on insufficient or conflicting evidence, the clinical significance of this alteration remains unclear.

NM_004456.5(EZH2):c.2154G>C (p.Lys718Asn)

Gene: EZH2 (enhancer of zeste 2 polycomb repressive complex 2 subunit; minus strand). Cytogenetic location: 7q36.1.
Variant type: single nucleotide variant.
Coding change: c.2154G>C on transcript NM_004456.5 (MANE Select); coding-DNA position 2154, G replaced by C.
Protein change: p.Lys718Asn; replaces lysine 718 with asparagine.
Molecular consequence: missense variant.
Genome position (GRCh38, 1-based): chr7:148,809,112, C>G on the plus strand (G>C on the coding strand, the complement: EZH2 is on the minus strand). VCF-style: chr7-148809112-C-G. GRCh37 (hg19) VCF-style: chr7-148506204-C-G.
Other names: c.2139G>C, p.Lys713Asn (NM_001203247.2); c.2112G>C, p.Lys704Asn (NM_001203248.2); c.1986G>C, p.Lys662Asn (NM_001203249.2); c.2022G>C, p.Lys674Asn (NM_152998.3); short protein forms K662N, K704N, K674N, K713N, K718N.
Identifiers: ClinVar variation 3276914 (VCV003276914.1).